The following is an entry in ClinVar:

ClinVar aggregate classification (germline): Uncertain significance (1 of 4 stars; one submission).

Submission:

Labcorp Genetics (formerly Invitae), Labcorp
Classification: Uncertain significance. Last evaluated: 2022-07-07. Review status: criteria provided, single submitter. Criteria: Invitae Variant Classification Sherloc (09022015). Collection method: clinical testing. Allele origin: germline.
Comment: This sequence change creates a premature translational stop signal (p.Ala113Argfs*28) in the FOXI3 gene. It is expected to result in an absent or disrupted protein product. However, the current clinical and genetic evidence is not sufficient to establish whether loss-of-function variants in FOXI3 cause disease. This variant is not present in population databases (gnomAD no frequency). This variant has not been reported in the literature in individuals affected with FOXI3-related conditions. In summary, the available evidence is currently insufficient to determine the role of this variant in disease. Therefore, it has been classified as a Variant of Uncertain Significance.

NM_001135649.3(FOXI3):c.336del (p.Ala113fs)

Gene: FOXI3 (forkhead box I3; minus strand). Cytogenetic location: 2p11.2.
Variant type: Deletion.
Coding change: c.336del on transcript NM_001135649.3 (MANE Select); coding-DNA position 336, one base deleted (C; older notation c.336delC).
Protein change: p.Ala113fs; shifts the reading frame from alanine 113.
Molecular consequence: frameshift variant.
Genome position (GRCh38, 1-based): chr2:88,452,200, G deleted on the plus strand (C on the coding strand, the reverse complement: FOXI3 is on the minus strand); the first of 3 consecutive G bases (chr2:88,452,200-88,452,202); deleting any one gives the same sequence. VCF-style (leftmost placement, unchanged base first): chr2-88452199-CG-C. GRCh37 (hg19) VCF-style: chr2-88751718-CG-C.
Other names: short protein forms A113fs.
Identifiers: ClinVar variation 2014856 (VCV002014856.4), dbSNP rs2528917102, ClinGen allele CA2580068341.
Genomic context (GRCh38, chr2:88,452,199, plus strand): 5'-ACAGCCAGCCCAGCTCCCCGGGCCCCGCGGGCGCGGCGGGCGAGGCGGGCGCGGCGGGCG[CG>C]GGCTGCGCGAAGGGCCGCTGAGAGCAGCCGAAGGTGCCGGCGGCAGGCGGTGGCTGCAGA-3'